The following is an entry in ClinVar:

ClinVar aggregate classification (germline): Uncertain significance. Review status: criteria provided, multiple submitters, no conflicts (2 of 4 stars). 3 submissions from 3 submitters: Uncertain significance (3). Last evaluated 2024-03-20.

Conditions:
Hereditary cancer-predisposing syndrome. Also called: Neoplastic Syndromes, Hereditary; Hereditary Cancer Syndrome; Hereditary neoplastic syndrome; Tumor predisposition. Identifiers: Orphanet 140162, MedGen C0027672, MeSH D009386, MONDO:0015356.
Microcephaly, normal intelligence and immunodeficiency (NBS). Also called: Immunodeficiency, microcephaly with normal intelligence; SEEMANOVA SYNDROME II; Nijmegen breakage syndrome; Microcephaly with normal intelligence immunodeficiency and lymphoreticular malignancies; Nonsyndromal microcephaly autosomal recessive with normal intelligence; Seemanova syndrome 2. Identifiers: Orphanet 647, MedGen C0398791, MONDO:0009623, OMIM 251260.

Allele frequency attached by ClinVar (database versions not stated): gnomAD exomes below 0.00001.
gnomAD v4.1: 33 of 1,613,358 alleles (0.002%); highest among the groups gnomAD compares: Non-Finnish European, 0.0028%; no homozygotes.

Submissions (3):

Ambry Genetics
Classification: Uncertain significance for Hereditary cancer-predisposing syndrome. Last evaluated: 2024-03-20. Review status: criteria provided, single submitter. Criteria: Ambry Variant Classification Scheme 2023. Collection method: clinical testing. Allele origin: germline.
Comment: The p.V151F variant (also known as c.451G>T), located in coding exon 4 of the NBN gene, results from a G to T substitution at nucleotide position 451. The valine at codon 151 is replaced by phenylalanine, an amino acid with highly similar properties. In one study, this variant was observed with a similar frequency in patients with invasive epithelial ovarian cancer (1/3236) and controls (1/3431) (Ramus SJ et al. J. Natl. Cancer Inst. 2015 Nov;107(11)). This amino acid position is highly conserved in available vertebrate species. In addition, this alteration is predicted to be deleterious by in silico analysis. Since supporting evidence is limited at this time, the clinical significance of this alteration remains unclear.

Labcorp Genetics (formerly Invitae), Labcorp
Classification: Uncertain significance for Microcephaly, normal intelligence and immunodeficiency. Last evaluated: 2023-07-28. Review status: criteria provided, single submitter. Criteria: Invitae Variant Classification Sherloc (09022015). Collection method: clinical testing. Allele origin: germline.
Comment: This sequence change replaces valine, which is neutral and non-polar, with phenylalanine, which is neutral and non-polar, at codon 151 of the NBN protein (p.Val151Phe). This variant is present in population databases (rs587781549, gnomAD 0.0009%). This missense change has been observed in individual(s) with ovarian cancer (PMID: 26315354). ClinVar contains an entry for this variant (Variation ID: 141171). An algorithm developed to predict the effect of missense changes on protein structure and function (PolyPhen-2) suggests that this variant is likely to be disruptive. In summary, the available evidence is currently insufficient to determine the role of this variant in disease. Therefore, it has been classified as a Variant of Uncertain Significance.

Genome-Nilou Lab
Classification: Uncertain significance for Microcephaly, normal intelligence and immunodeficiency. Last evaluated: 2021-11-07. Review status: criteria provided, single submitter. Criteria: ACMG Guidelines, 2015. Collection method: clinical testing. Allele origin: germline. Affected: no.

Literature cited by the submitters: PubMed 26315354 (cited by Ambry Genetics and Labcorp Genetics (formerly Invitae), Labcorp).

NM_002485.5(NBN):c.451G>T (p.Val151Phe)

Gene: NBN (nibrin; minus strand). Cytogenetic location: 8q21.3.
Variant type: single nucleotide variant.
Coding change: c.451G>T on transcript NM_002485.5 (MANE Select); coding-DNA position 451, G replaced by T.
Protein change: p.Val151Phe; replaces valine 151 with phenylalanine.
Molecular consequence: missense variant.
Genome position (GRCh38, 1-based): chr8:89,980,763, C>A on the plus strand (G>T on the coding strand, the complement: NBN is on the minus strand). VCF-style: chr8-89980763-C-A. GRCh37 (hg19) VCF-style: chr8-90992991-C-A.
Other names: c.205G>T, p.Val69Phe (NM_001024688.3); short protein forms V151F, V69F.
Identifiers: ClinVar variation 141171 (VCV000141171.20), dbSNP rs587781549, ClinGen allele CA164672.